The following is an entry in ClinVar:

ClinVar aggregate classification (germline): Pathogenic (1 of 4 stars; one submission).

Conditions:
Familial adenomatous polyposis 1 (FAP1). Also called: POLYPOSIS, ADENOMATOUS INTESTINAL; FAMILIAL ADENOMATOUS POLYPOSIS 1, ATTENUATED. Identifiers: MedGen C2713442, MONDO:0021056, OMIM 175100. Disease mechanism: loss of function.

Submission:

Myriad Genetics, Inc.
Classification: Pathogenic for Familial adenomatous polyposis 1. Last evaluated: 2023-05-12. Review status: criteria provided, single submitter. Criteria: Myriad Autosomal Dominant, Autosomal Recessive and X-Linked Classification Criteria (2023). Collection method: clinical testing. Allele origin: unknown.
Comment: This variant is considered pathogenic. This variant creates a frameshift predicted to result in premature protein truncation.

NM_000038.6(APC):c.5310_5374del (p.Lys1771fs)

Gene: APC (APC regulator of Wnt signaling pathway; plus strand). Cytogenetic location: 5q22.2.
Variant type: Deletion.
Coding change: c.5310_5374del on transcript NM_000038.6 (MANE Select); coding-DNA positions 5310 to 5374, 65 bases deleted.
Protein change: p.Lys1771fs; shifts the reading frame from lysine 1771.
Molecular consequence: frameshift variant. On other transcripts: non-coding transcript variant (2).
Genome position (GRCh38, 1-based): chr5:112,840,904-112,840,968, 65 bases deleted. GRCh37 (hg19): chr5:112,176,601-112,176,665.
Other names: c.5310_5374del, p.Lys1771fs (NM_001127510.3, NM_001354895.2, NM_001407450.1); c.5256_5320del, p.Lys1753fs (NM_001127511.3); c.5364_5428del, p.Lys1789fs (NM_001354896.2, NM_001407447.1, NM_001407448.1 and 1 more transcripts); c.5340_5404del, p.Lys1781fs (NM_001354897.2); c.5235_5299del, p.Lys1746fs (NM_001354898.2); c.5226_5290del, p.Lys1743fs (NM_001354899.2); c.5187_5251del, p.Lys1730fs (NM_001354900.2); c.5133_5197del, p.Lys1712fs (NM_001354901.2, NM_001407453.1); and 11 more; short protein forms K1387fs, K1488fs, K1611fs, K1642fs, K1645fs, K1670fs, K1680fs, K1688fs.
Identifiers: ClinVar variation 2583496 (VCV002583496.2), dbSNP rs2533635144, ClinGen allele CA2582341429.